The following is an entry in ClinVar:

NM_001371986.1(UNC80):c.2082G>T (p.Lys694Asn)

Gene: UNC80 (unc-80 homolog, NALCN channel complex subunit; plus strand). Cytogenetic location: 2q34.
Variant type: single nucleotide variant.
Coding change: c.2082G>T on transcript NM_001371986.1 (MANE Select); coding-DNA position 2082, G replaced by T.
Protein change: p.Lys694Asn; replaces lysine 694 with asparagine.
Molecular consequence: missense variant.
Genome position (GRCh38, 1-based): chr2:209,820,430, G>T. VCF-style: chr2-209820430-G-T. GRCh37 (hg19) VCF-style: chr2-210685154-G-T.
Other names: c.2082G>T, p.Lys694Asn (NM_032504.2, NM_182587.4); short protein forms K694N.
Identifiers: ClinVar variation 2052088 (VCV002052088.1), dbSNP rs1347892606, ClinGen allele CA350136540.
Genomic context (GRCh38, chr2:209,820,430, plus strand): 5'-CGTGGCGCTAAACATTGTGGAATGCTTGCTTCAACTTGGTGTGGTGCCCTGTGTAGAAAA[G>T]AATAGAAAGAAGAGTGAAAACAAGGAAAATGAGACCTTGGAAAAGAGGCCAAGTGAGGGA-3'
Protein context (NP_001358915.1, residues 684-704): LQLGVVPCVE[Lys694Asn]NRKKSENKEN

ClinVar aggregate classification (germline): Uncertain significance (1 of 4 stars; one submission).

Allele frequency attached by ClinVar (database versions not stated): gnomAD exomes below 0.00001; TOPMed 0.00001.
gnomAD v4.1: 7 of 1,551,764 alleles (0.00045%); highest among the groups gnomAD compares: Admixed American, 0.0059%; no homozygotes.

Submission:

Labcorp Genetics (formerly Invitae), Labcorp
Classification: Uncertain significance. Last evaluated: 2022-02-05. Review status: criteria provided, single submitter. Criteria: Invitae Variant Classification Sherloc (09022015). Collection method: clinical testing. Allele origin: germline.
Comment: This sequence change replaces lysine, which is basic and polar, with asparagine, which is neutral and polar, at codon 694 of the UNC80 protein (p.Lys694Asn). This variant is present in population databases (no rsID available, gnomAD 0.002%). This variant has not been reported in the literature in individuals affected with UNC80-related conditions. Algorithms developed to predict the effect of missense changes on protein structure and function are either unavailable or do not agree on the potential impact of this missense change (SIFT: "Not Available"; PolyPhen-2: "Possibly Damaging"; Align-GVGD: "Not Available"). In summary, the available evidence is currently insufficient to determine the role of this variant in disease. Therefore, it has been classified as a Variant of Uncertain Significance.